The following is an entry in ClinVar:

NM_001134831.2(AHI1):c.848G>A (p.Ser283Asn)

Gene: AHI1 (Abelson helper integration site 1; minus strand). Cytogenetic location: 6q23.3.
Variant type: single nucleotide variant.
Coding change: c.848G>A on transcript NM_001134831.2 (MANE Select); coding-DNA position 848, G replaced by A.
Protein change: p.Ser283Asn; replaces serine 283 with asparagine.
Molecular consequence: missense variant.
Genome position (GRCh38, 1-based): chr6:135,463,208, C>T on the plus strand (G>A on the coding strand, the complement: AHI1 is on the minus strand). VCF-style: chr6-135463208-C-T. GRCh37 (hg19) VCF-style: chr6-135784346-C-T.
Other names: c.848G>A, p.Ser283Asn (NM_001134830.2, NM_001134832.2, NM_001350503.2 and 2 more transcripts); short protein forms S283N.
Identifiers: ClinVar variation 1423435 (VCV001423435.3), dbSNP rs749890939, ClinGen allele CA4012743.

ClinVar aggregate classification (germline): Uncertain significance (1 of 4 stars; one submission).

Conditions:
Joubert syndrome. Also called: CEREBELLOPARENCHYMAL DISORDER IV; JOUBERT-BOLTSHAUSER SYNDROME; Familial aplasia of the vermis. Identifiers: Orphanet 475, MedGen C5979921, MONDO:0018772.

Allele frequency attached by ClinVar (database versions not stated): ExAC 0.00001; gnomAD exomes 0.00001.

Submission:

Labcorp Genetics (formerly Invitae), Labcorp
Classification: Uncertain significance for Joubert syndrome. Last evaluated: 2021-08-10. Review status: criteria provided, single submitter. Criteria: Invitae Variant Classification Sherloc (09022015). Collection method: clinical testing. Allele origin: germline.
Comment: This sequence change replaces serine with asparagine at codon 283 of the AHI1 protein (p.Ser283Asn). The serine residue is weakly conserved and there is a small physicochemical difference between serine and asparagine. This variant is present in population databases (rs749890939, ExAC 0.002%). This variant has not been reported in the literature in individuals affected with AHI1-related conditions. Advanced modeling of protein sequence and biophysical properties (such as structural, functional, and spatial information, amino acid conservation, physicochemical variation, residue mobility, and thermodynamic stability) performed at Invitae indicates that this missense variant is not expected to disrupt AHI1 protein function. In summary, the available evidence is currently insufficient to determine the role of this variant in disease. Therefore, it has been classified as a Variant of Uncertain Significance.